The following is an entry in ClinVar:

ClinVar aggregate classification (germline): Uncertain significance. Review status: criteria provided, multiple submitters, no conflicts (2 of 4 stars). 3 submissions from 3 submitters: Uncertain significance (3). Last evaluated 2025-11-18.

Conditions:
Cardiovascular phenotype. Identifiers: MedGen CN230736.
Long QT syndrome (LQTS). Identifiers: MedGen C0023976, MeSH D008133, MONDO:0002442. Disease mechanism: loss of function. Inheritance: Various modes of inheritance.
Long QT syndrome 11 (LQT11). Identifiers: Orphanet 101016, Orphanet 768, MedGen C2678483, MONDO:0012738, OMIM 611820.

Allele frequency attached by ClinVar (database versions not stated): gnomAD 0.00001; TOPMed 0.00001.
gnomAD v4.1: 2 of 1,613,966 alleles (0.00012%); highest among the groups gnomAD compares: African/African-American, 0.0027%; no homozygotes.

Submissions (3):

Ambry Genetics
Classification: Uncertain significance for Cardiovascular phenotype. Last evaluated: 2025-11-18. Review status: criteria provided, single submitter. Criteria: Ambry Variant Classification Scheme 2023. Collection method: clinical testing. Allele origin: germline.
Comment: The p.K3606N variant (also known as c.10818G>T), located in coding exon 44 of the AKAP9 gene, results from a G to T substitution at nucleotide position 10818. The lysine at codon 3606 is replaced by asparagine, an amino acid with similar properties. This amino acid position is highly conserved in available vertebrate species. In addition, this alteration is predicted to be tolerated by in silico analysis. Since supporting evidence is limited at this time, the clinical significance of this alteration remains unclear.

Labcorp Genetics (formerly Invitae), Labcorp
Classification: Uncertain significance for Long QT syndrome. Last evaluated: 2024-04-29. Review status: criteria provided, single submitter. Criteria: Invitae Variant Classification Sherloc (09022015). Collection method: clinical testing. Allele origin: germline.
Comment: This sequence change replaces lysine, which is basic and polar, with asparagine, which is neutral and polar, at codon 3606 of the AKAP9 protein (p.Lys3606Asn). This variant is present in population databases (no rsID available, gnomAD 0.01%). This variant has not been reported in the literature in individuals affected with AKAP9-related conditions. ClinVar contains an entry for this variant (Variation ID: 1063208). An algorithm developed to predict the effect of missense changes on protein structure and function (PolyPhen-2) suggests that this variant is likely to be disruptive. In summary, the available evidence is currently insufficient to determine the role of this variant in disease. Therefore, it has been classified as a Variant of Uncertain Significance.

Fulgent Genetics
Classification: Uncertain significance for Long QT syndrome 11. Last evaluated: 2021-09-30. Review status: criteria provided, single submitter. Criteria: ACMG Guidelines, 2015. Collection method: clinical testing. Allele origin: unknown.

NM_005751.5(AKAP9):c.10818G>T (p.Lys3606Asn)

Gene: AKAP9 (A-kinase anchoring protein 9; plus strand). Cytogenetic location: 7q21.2.
Variant type: single nucleotide variant.
Coding change: c.10818G>T on transcript NM_005751.5 (MANE Select); coding-DNA position 10818, G replaced by T.
Protein change: p.Lys3606Asn; replaces lysine 3606 with asparagine.
Molecular consequence: missense variant.
Genome position (GRCh38, 1-based): chr7:92,099,791, G>T. VCF-style: chr7-92099791-G-T. GRCh37 (hg19) VCF-style: chr7-91729105-G-T.
Other names: c.5463G>T, p.Lys1821Asn (NM_001379277.1); c.10794G>T, p.Lys3598Asn (NM_147185.3); short protein forms K1821N, K3598N, K3606N.
Identifiers: ClinVar variation 1063208 (VCV001063208.13), dbSNP rs1052036778, ClinGen allele CA161898772.